The following is an entry in ClinVar:

NM_000051.4(ATM):c.2570T>C (p.Leu857Pro)

Gene: ATM (ATM serine/threonine kinase; plus strand). Cytogenetic location: 11q22.3.
Variant type: single nucleotide variant.
Coding change: c.2570T>C on transcript NM_000051.4 (MANE Select); coding-DNA position 2570, T replaced by C.
Protein change: p.Leu857Pro; replaces leucine 857 with proline.
Molecular consequence: missense variant.
Genome position (GRCh38, 1-based): chr11:108,267,274, T>C. VCF-style: chr11-108267274-T-C. GRCh37 (hg19) VCF-style: chr11-108138001-T-C.
Other names: c.2570T>C, p.Leu857Pro (NM_001351834.2); short protein forms L857P.
Identifiers: ClinVar variation 1793244 (VCV001793244.2), dbSNP rs2497595787, ClinGen allele CA382543857.
Genomic context (GRCh38, chr11:108,267,274, plus strand): 5'-CAATGGAAGATGATACTAATGGAAATCTAATGGAGGTGGAGGATCAGTCATCCATGAATC[T>C]ATTTAACGATTACCCTGATAGTAGTGTTAGTGATGCAAACGAACCTGGAGAGAGCCAAAG-3'
Protein context (NP_000042.3, residues 847-867): MEVEDQSSMN[Leu857Pro]FNDYPDSSVS

ClinVar aggregate classification (germline): Uncertain significance (1 of 4 stars; one submission).

Conditions:
Hereditary cancer-predisposing syndrome. Also called: Tumor predisposition; Hereditary Cancer Syndrome; Neoplastic Syndromes, Hereditary; Hereditary neoplastic syndrome. Identifiers: Orphanet 140162, MedGen C0027672, MeSH D009386, MONDO:0015356.

Submission:

Ambry Genetics
Classification: Uncertain significance for Hereditary cancer-predisposing syndrome. Last evaluated: 2022-07-02. Review status: criteria provided, single submitter. Criteria: Ambry Variant Classification Scheme 2023. Collection method: clinical testing. Allele origin: germline.
Comment: The p.L857P variant (also known as c.2570T>C), located in coding exon 16 of the ATM gene, results from a T to C substitution at nucleotide position 2570. The leucine at codon 857 is replaced by proline, an amino acid with similar properties. This amino acid position is conserved. In addition, the in silico prediction for this alteration is inconclusive. Since supporting evidence is limited at this time, the clinical significance of this alteration remains unclear.